The following is an entry in ClinVar:

NM_013266.4(CTNNA3):c.969dup (p.His324fs)

Gene: CTNNA3 (catenin alpha 3; minus strand). Cytogenetic location: 10q21.3.
Variant type: Duplication.
Coding change: c.969dup on transcript NM_013266.4 (MANE Select); coding-DNA position 969, one base duplicated (A; older notation c.969dupA).
Protein change: p.His324fs; shifts the reading frame from histidine 324.
Molecular consequence: frameshift variant.
Genome position (GRCh38, 1-based): chr10:67,180,395, T duplicated on the plus strand (A on the coding strand, the reverse complement: CTNNA3 is on the minus strand). VCF-style (leftmost placement, unchanged base first): chr10-67180394-G-GT. GRCh37 (hg19) VCF-style: chr10-68940152-G-GT.
Other names: c.969dup, p.His324fs (NM_001127384.3); c.1005dup, p.His336fs (NM_001291133.2); short protein forms H336fs, H324fs.
Identifiers: ClinVar variation 806484 (VCV000806484.43), dbSNP rs1212779512, ClinGen allele CA667685434.
Genomic context (GRCh38, chr10:67,180,394, plus strand): 5'-AAAGCAGATCCTGAAGAGCCTGGCGAATGGCGTTGCATTCTGCGATAATCCGCTCTCGGT[G>GT]TAAGTCCCTCGTACATGAAGAATCCGCCAGCAGAGCAGCCCCACTGATAATGGCTTCAAG-3'

ClinVar aggregate classification (germline): Uncertain significance. Review status: criteria provided, multiple submitters, no conflicts (2 of 4 stars). 2 submissions from 2 submitters: Uncertain significance (2). Last evaluated 2025-02-12.

Conditions:
Arrhythmogenic right ventricular dysplasia 13. Also called: ARRHYTHMOGENIC RIGHT VENTRICULAR CARDIOMYOPATHY 13; Arrhythmogenic right ventricular dysplasia, familial, 13. Identifiers: MedGen C3810138, MONDO:0000908, OMIM 615616.

Allele frequency attached by ClinVar (database versions not stated): gnomAD exomes below 0.00001; TOPMed below 0.00001.

Submissions (2):

Labcorp Genetics (formerly Invitae), Labcorp
Classification: Uncertain significance for Arrhythmogenic right ventricular dysplasia 13. Last evaluated: 2025-02-12. Review status: criteria provided, single submitter. Criteria: Invitae Variant Classification Sherloc (09022015). Collection method: clinical testing. Allele origin: germline.
Comment: This sequence change creates a premature translational stop signal (p.His324Thrfs*34) in the CTNNA3 gene. It is expected to result in an absent or disrupted protein product. However, the current clinical and genetic evidence is not sufficient to establish whether loss-of-function variants in CTNNA3 cause disease. This variant is not present in population databases (gnomAD no frequency). This variant has not been reported in the literature in individuals affected with CTNNA3-related conditions. ClinVar contains an entry for this variant (Variation ID: 806484). In summary, the available evidence is currently insufficient to determine the role of this variant in disease. Therefore, it has been classified as a Variant of Uncertain Significance.

CeGaT Center for Human Genetics Tuebingen
Classification: Uncertain significance. Last evaluated: 2017-01-01. Review status: criteria provided, single submitter. Criteria: CeGaT Center For Human Genetics Tuebingen Variant Classification Criteria Version 2. Collection method: clinical testing. Allele origin: germline. Affected: yes. Observed: 1 variant allele.